The following is an entry in ClinVar:

NM_002617.4(PEX10):c.485G>A (p.Arg162Gln)

Gene: PEX10 (peroxisomal biogenesis factor 10; minus strand). Cytogenetic location: 1p36.32.
Variant type: single nucleotide variant.
Coding change: c.485G>A on transcript NM_002617.4 (MANE Select); coding-DNA position 485, G replaced by A.
Protein change: p.Arg162Gln; replaces arginine 162 with glutamine.
Molecular consequence: missense variant. On other transcripts: non-coding transcript variant (1).
Genome position (GRCh38, 1-based): chr1:2,408,567, C>T on the plus strand (G>A on the coding strand, the complement: PEX10 is on the minus strand). VCF-style: chr1-2408567-C-T. GRCh37 (hg19) VCF-style: chr1-2340006-C-T.
Other names: c.485G>A, p.Arg162Gln (NM_153818.2, NM_001374425.1); c.53G>A, p.Arg18Gln (NM_001374426.1, NM_001374427.1); short protein forms R162Q, R18Q.
Identifiers: ClinVar variation 1373599 (VCV001373599.9), dbSNP rs756297578, ClinGen allele CA538157.

ClinVar aggregate classification (germline): Uncertain significance. Review status: criteria provided, multiple submitters, no conflicts (2 of 4 stars). 5 submissions from 5 submitters: Uncertain significance (5). Last evaluated 2024-05-29.

Conditions:
Peroxisome biogenesis disorder 6A (Zellweger). Also called: Peroxisome biogenesis disorder 6A. Identifiers: Orphanet 912, MedGen C3553947, MONDO:0013936, OMIM 614870.
Peroxisome biogenesis disorder 6B (PBD6B). Identifiers: Orphanet 44, MedGen C3553948, MONDO:0013937, OMIM 614871.
Peroxisome biogenesis disorder, complementation group 7 (CG7). Also called: Peroxisome biogenesis disorder, complementation group B. Identifiers: MedGen C1864399.
Inborn genetic diseases. Identifiers: MedGen C0950123, MeSH D030342.

Allele frequency attached by ClinVar (database versions not stated): gnomAD exomes 0.00002 and 0.00010; ExAC 0.00010.
gnomAD v4.1: 43 of 1,612,082 alleles (0.0027%); highest among the groups gnomAD compares: East Asian, 0.047%; no homozygotes.

Submissions (5):

Blueprint Genetics
Classification: Uncertain significance. Last evaluated: 2024-05-29. Review status: criteria provided, single submitter. Criteria: ACMG Guidelines, 2015. Collection method: clinical testing. Allele origin: germline.

Ambry Genetics
Classification: Uncertain significance for Inborn genetic diseases. Last evaluated: 2023-05-03. Review status: criteria provided, single submitter. Criteria: Ambry Variant Classification Scheme 2023. Collection method: clinical testing. Allele origin: germline.

Labcorp Genetics (formerly Invitae), Labcorp
Classification: Uncertain significance for Peroxisome biogenesis disorder, complementation group 7. Last evaluated: 2022-08-22. Review status: criteria provided, single submitter. Criteria: Invitae Variant Classification Sherloc (09022015). Collection method: clinical testing. Allele origin: germline.
Comment: This sequence change replaces arginine, which is basic and polar, with glutamine, which is neutral and polar, at codon 162 of the PEX10 protein (p.Arg162Gln). This variant is present in population databases (rs756297578, gnomAD 0.1%). This variant has not been reported in the literature in individuals affected with PEX10-related conditions. ClinVar contains an entry for this variant (Variation ID: 1373599). Algorithms developed to predict the effect of missense changes on protein structure and function output the following: SIFT: "Tolerated"; PolyPhen-2: "Benign"; Align-GVGD: "Class C0". The glutamine amino acid residue is found in multiple mammalian species, which suggests that this missense change does not adversely affect protein function. In summary, the available evidence is currently insufficient to determine the role of this variant in disease. Therefore, it has been classified as a Variant of Uncertain Significance.

Fulgent Genetics
Classification: Uncertain significance for Peroxisome biogenesis disorder 6A (Zellweger); Peroxisome biogenesis disorder 6B. Last evaluated: 2021-10-01. Review status: criteria provided, single submitter. Criteria: ACMG Guidelines, 2015. Collection method: clinical testing. Allele origin: unknown.

Revvity Omics, Revvity
Classification: Uncertain significance. Last evaluated: 2020-03-05. Review status: criteria provided, single submitter. Criteria: ACMG Guidelines, 2015. Collection method: clinical testing. Allele origin: germline.